The following is an entry in ClinVar:

ClinVar aggregate classification (germline): Likely benign (0 of 4 stars; one submission).

Conditions:
TIAM1-related disorder. Also called: TIAM1-related condition.

gnomAD v4.1: 17 of 1,613,628 alleles (0.0011%); highest among the groups gnomAD compares: Admixed American, 0.0083%; no homozygotes.

Submission:

PreventionGenetics, part of Exact Sciences
Classification: Likely benign for TIAM1-related condition. Last evaluated: 2019-02-20. Review status: no assertion criteria provided. Collection method: clinical testing. Allele origin: germline.
Comment: This variant is classified as likely benign based on ACMG/AMP sequence variant interpretation guidelines (Richards et al. 2015 PMID: 25741868, with internal and published modifications).

NM_001353694.2(TIAM1):c.1242C>T (p.Ser414=)

Gene: TIAM1 (TIAM Rac1 associated GEF 1; minus strand). Cytogenetic location: 21q22.11.
Variant type: single nucleotide variant.
Coding change: c.1242C>T on transcript NM_001353694.2 (MANE Select); coding-DNA position 1242, C replaced by T.
Protein change: p.Ser414=; no amino-acid change (serine 414 retained).
Molecular consequence: synonymous variant.
Genome position (GRCh38, 1-based): chr21:31,251,911, G>A on the plus strand (C>T on the coding strand, the complement: TIAM1 is on the minus strand). VCF-style: chr21-31251911-G-A. GRCh37 (hg19) VCF-style: chr21-32624227-G-A.
Other names: c.1242C>T, p.Ser414= (NM_001353686.2, NM_001353687.2, NM_001353688.1 and 6 more transcripts).
Identifiers: ClinVar variation 3352764 (VCV003352764.1).
Genomic context (GRCh38, chr21:31,251,911, plus strand): 5'-CACCGTGCCCTGTGCGGCGGTCAGCAGGATGTCCGACTGGCCCGGAGAGCTCAGGGTGCC[G>A]CTGCTCTGCTCATCGCTGTGCGCCGAGCCGGCCTCCTCCAGGCTCTCGCTGTTGGTGGTG-3'
Protein context (NP_001340623.1, residues 404-424): AGSAHSDEQS[Ser414=]GTLSSPGQSD